The following is an entry in ClinVar:

ClinVar aggregate classification (germline): Uncertain significance (1 of 4 stars; one submission).

gnomAD v4.1: 2 of 1,208,628 alleles (0.00017%); highest among the groups gnomAD compares: South Asian, 0.0018%; no homozygotes.

Submission:

Labcorp Genetics (formerly Invitae), Labcorp
Classification: Uncertain significance. Last evaluated: 2026-01-08. Review status: criteria provided, single submitter. Criteria: Invitae Variant Classification Sherloc (09022015). Collection method: clinical testing. Allele origin: germline.
Comment: This sequence change replaces valine, which is neutral and non-polar, with methionine, which is neutral and non-polar, at codon 473 of the ABCB7 protein (p.Val473Met). The frequency data for this variant in the population databases is considered unreliable, as metrics indicate poor data quality at this position in the gnomAD database. This variant has not been reported in the literature in individuals affected with ABCB7-related conditions. An algorithm developed to predict the effect of missense changes on protein structure and function (PolyPhen-2) suggests that this variant is likely to be disruptive. In summary, the available evidence is currently insufficient to determine the role of this variant in disease. Therefore, it has been classified as a Variant of Uncertain Significance.

NM_001271696.3(ABCB7):c.1414G>A (p.Val472Met)

Gene: ABCB7 (ATP binding cassette subfamily B member 7; minus strand). Cytogenetic location: Xq13.3.
Variant type: single nucleotide variant.
Coding change: c.1414G>A on transcript NM_001271696.3 (MANE Select); coding-DNA position 1414, G replaced by A.
Protein change: p.Val472Met; replaces valine 472 with methionine.
Molecular consequence: missense variant.
Genome position (GRCh38, 1-based): chrX:75,069,406, C>T on the plus strand (G>A on the coding strand, the complement: ABCB7 is on the minus strand). VCF-style: chrX-75069406-C-T. GRCh37 (hg19) VCF-style: chrX-74289241-C-T.
Other names: c.1294G>A, p.Val432Met (NM_001271697.3); c.1336G>A, p.Val446Met (NM_001271698.3); c.1297G>A, p.Val433Met (NM_001271699.3); c.1417G>A, p.Val473Met (NM_004299.6); short protein forms V433M, V473M, V432M, V446M, V472M.
Identifiers: ClinVar variation 4710809 (VCV004710809.1).
Genomic context (GRCh38, chrX:75,069,406, plus strand): 5'-ATATTCCACTAAGGACTTTCTGGCCCTCAATGTATTCAAAATGCACATTATCAAAGGCCA[C>T]GGTAGCTGTCTGTGGTGTGATCTGAAGGGGAGATGCCATCACTTTGTCCTAGCAGGGAAG-3'
Protein context (NP_001258625.1, residues 462-482): PLQITPQTAT[Val472Met]AFDNVHFEYI